The following is an entry in ClinVar:

ClinVar aggregate classification (germline): Uncertain significance (1 of 4 stars; one submission).

Conditions:
Ehlers-Danlos syndrome, dermatosparaxis type. Also called: EDS VIIC; Dermatosparaxis; Ehlers-Danlos syndrome, type VII, autosomal recessive. Identifiers: Orphanet 1901, MedGen C2700425, MONDO:0009161, OMIM 225410.

Allele frequency attached by ClinVar (database versions not stated): gnomAD exomes below 0.00001.
gnomAD v4.1: 1 of 1,146,816 alleles (0.000087%); highest among the groups gnomAD compares: Non-Finnish European, 0.00011%; no homozygotes.

Submission:

Labcorp Genetics (formerly Invitae), Labcorp
Classification: Uncertain significance for Ehlers-Danlos syndrome, dermatosparaxis type. Last evaluated: 2022-04-01. Review status: criteria provided, single submitter. Criteria: Invitae Variant Classification Sherloc (09022015). Collection method: clinical testing. Allele origin: germline.
Comment: This sequence change replaces proline, which is neutral and non-polar, with glutamine, which is neutral and polar, at codon 30 of the ADAMTS2 protein (p.Pro30Gln). This variant is not present in population databases (gnomAD no frequency). This variant has not been reported in the literature in individuals affected with ADAMTS2-related conditions. Algorithms developed to predict the effect of missense changes on protein structure and function are either unavailable or do not agree on the potential impact of this missense change (SIFT: "Tolerated"; PolyPhen-2: "Not Available"; Align-GVGD: "Class C0"). Algorithms developed to predict the effect of sequence changes on RNA splicing suggest that this variant may create or strengthen a splice site. In summary, the available evidence is currently insufficient to determine the role of this variant in disease. Therefore, it has been classified as a Variant of Uncertain Significance.

NM_014244.5(ADAMTS2):c.89C>A (p.Pro30Gln)

Gene: ADAMTS2 (ADAM metallopeptidase with thrombospondin type 1 motif 2; minus strand). Cytogenetic location: 5q35.3.
Variant type: single nucleotide variant.
Coding change: c.89C>A on transcript NM_014244.5 (MANE Select); coding-DNA position 89, C replaced by A.
Protein change: p.Pro30Gln; replaces proline 30 with glutamine.
Molecular consequence: missense variant.
Genome position (GRCh38, 1-based): chr5:179,345,240, G>T on the plus strand (C>A on the coding strand, the complement: ADAMTS2 is on the minus strand). VCF-style: chr5-179345240-G-T. GRCh37 (hg19) VCF-style: chr5-178772241-G-T.
Other names: c.89C>A, p.Pro30Gln (NM_021599.4); short protein forms P30Q.
Identifiers: ClinVar variation 1916933 (VCV001916933.5), dbSNP rs1259474634, ClinGen allele CA362623859.
Genomic context (GRCh38, chr5:179,345,240, plus strand): 5'-CCGCACCTACCTGGGGGGTCGGCGGCGGCGGCGAGCCTGGCGTTCGCGGGCGGCGGCGGC[G>T]GCGGCAGGAGCGGCGGCGGCAGCAGCAGCAGCAGCAGCAGCAGCGCGGGGCAGAGCAGGC-3'
Protein context (NP_055059.2, residues 20-40): LLLLPPPLLP[Pro30Gln]PPPPANARLA